The following is an entry in ClinVar:

ClinVar aggregate classification (germline): Conflicting classifications of pathogenicity. Review status: criteria provided, conflicting classifications (1 of 4 stars). 2 submissions from 2 submitters: Likely pathogenic (1); Uncertain significance (1). Last evaluated 2025-08-21.

Conditions:
Inborn genetic diseases. Identifiers: MedGen C0950123, MeSH D030342.
SBDS-related disorder. Also called: SBDS-related condition.

Submissions (2):

Ambry Genetics
Classification: Uncertain significance for Inborn genetic diseases. Last evaluated: 2025-08-21. Review status: criteria provided, single submitter. Criteria: Ambry Variant Classification Scheme 2023. Collection method: clinical testing. Allele origin: germline.
Comment: The p.T13N variant (also known as c.38C>A), located in coding exon 1 of the SBDS gene, results from a C to A substitution at nucleotide position 38. The threonine at codon 13 is replaced by asparagine, an amino acid with similar properties. This amino acid position is conserved. In addition, this alteration is predicted to be deleterious by in silico analysis. Based on the available evidence, the clinical significance of this variant remains unclear.

Blueprint Genetics
Classification: Likely pathogenic for SBDS-related disorders. Last evaluated: 2021-01-11. Review status: criteria provided, single submitter. Criteria: ACMG Guidelines, 2015. Collection method: clinical testing. Allele origin: germline. Affected: yes. Observed: 2 variant alleles.

NM_016038.4(SBDS):c.38C>A (p.Thr13Asn)

Gene: SBDS (SBDS ribosome maturation factor; minus strand). Cytogenetic location: 7q11.21.
Variant type: single nucleotide variant.
Coding change: c.38C>A on transcript NM_016038.4 (MANE Select); coding-DNA position 38, C replaced by A.
Protein change: p.Thr13Asn; replaces threonine 13 with asparagine.
Molecular consequence: missense variant.
Genome position (GRCh38, 1-based): chr7:66,995,380, G>T on the plus strand (C>A on the coding strand, the complement: SBDS is on the minus strand). VCF-style: chr7-66995380-G-T. GRCh37 (hg19) VCF-style: chr7-66460367-G-T.
Other names: short protein forms T13N.
Identifiers: ClinVar variation 4159829 (VCV004159829.2).